The following is an entry in ClinVar:

NM_007314.4(ABL2):c.2789A>G (p.Lys930Arg)

Gene: ABL2 (ABL proto-oncogene 2, non-receptor tyrosine kinase; minus strand). Cytogenetic location: 1q25.2.
Variant type: single nucleotide variant.
Coding change: c.2789A>G on transcript NM_007314.4 (MANE Select); coding-DNA position 2789, A replaced by G.
Protein change: p.Lys930Arg; replaces lysine 930 with arginine.
Molecular consequence: missense variant.
Genome position (GRCh38, 1-based): chr1:179,108,478, T>C on the plus strand (A>G on the coding strand, the complement: ABL2 is on the minus strand). VCF-style: chr1-179108478-T-C. GRCh37 (hg19) VCF-style: chr1-179077613-T-C.
Other names: c.2435A>G, p.Lys812Arg (NM_001136000.3); c.2726A>G, p.Lys909Arg (NM_001168236.2); c.2480A>G, p.Lys827Arg (NM_001168237.2); c.2417A>G, p.Lys806Arg (NM_001168238.2); c.2372A>G, p.Lys791Arg (NM_001168239.2); c.2744A>G, p.Lys915Arg (NM_005158.5); short protein forms K791R, K812R, K915R, K909R, K930R, K806R, K827R.
Identifiers: ClinVar variation 770497 (VCV000770497.29), dbSNP rs17277288, ClinGen allele CA1264558.

ClinVar aggregate classification (germline): Benign. Review status: criteria provided, multiple submitters, no conflicts (2 of 4 stars). 3 submissions from 3 submitters: Benign (3). Last evaluated 2023-07-01.

Allele frequency attached by ClinVar (database versions not stated): 1000 Genomes Project 0.00499; 1000 Genomes Project 30x 0.00515; gnomAD 0.00853 and 0.00874; gnomAD exomes 0.00888 and 0.01262; ExAC 0.00894; TOPMed 0.00999; ESP Exome Variant Server 0.01061.
gnomAD v4.1: 19,751 of 1,614,164 alleles (1.2%); highest among the groups gnomAD compares: Middle Eastern, 2.6%; 146 homozygotes.

Submissions (3):

CeGaT Center for Human Genetics Tuebingen
Classification: Benign. Last evaluated: 2023-07-01. Review status: criteria provided, single submitter. Criteria: CeGaT Center For Human Genetics Tuebingen Variant Classification Criteria Version 2. Collection method: clinical testing. Allele origin: germline. Affected: yes. Observed: 1 variant allele.
Comment: ABL2: BS1, BS2

Labcorp Genetics (formerly Invitae), Labcorp
Classification: Benign. Last evaluated: 2019-12-31. Review status: criteria provided, single submitter. Criteria: Invitae Variant Classification Sherloc (09022015). Collection method: clinical testing. Allele origin: germline.

Breakthrough Genomics
Classification: Benign. Review status: criteria provided, single submitter. Criteria: ACMG Guidelines, 2015. Collection method: not provided. Allele origin: germline. Inheritance: Unknown mechanism. Affected: yes.